The following is an entry in ClinVar:

ClinVar aggregate classification (germline): Likely benign (1 of 4 stars; one submission).

Allele frequency attached by ClinVar (database versions not stated): gnomAD exomes below 0.00001.
gnomAD v4.1: 1 of 1,613,060 alleles (0.000062%); highest among the groups gnomAD compares: Non-Finnish European, 0.000085%; no homozygotes.

Submission:

CeGaT Center for Human Genetics Tuebingen
Classification: Likely benign. Last evaluated: 2022-11-01. Review status: criteria provided, single submitter. Criteria: CeGaT Center For Human Genetics Tuebingen Variant Classification Criteria Version 2. Collection method: clinical testing. Allele origin: germline. Affected: yes. Observed: 1 variant allele.
Comment: ADGRE5: PM2:Supporting, BP4, BP7

NM_078481.4(ADGRE5):c.1743C>T (p.Thr581=)

Gene: ADGRE5 (adhesion G protein-coupled receptor E5; plus strand). Cytogenetic location: 19p13.12.
Variant type: single nucleotide variant.
Coding change: c.1743C>T on transcript NM_078481.4 (MANE Select); coding-DNA position 1743, C replaced by T.
Protein change: p.Thr581=; no amino-acid change (threonine 581 retained).
Molecular consequence: synonymous variant.
Genome position (GRCh38, 1-based): chr19:14,405,861, C>T. VCF-style: chr19-14405861-C-T. GRCh37 (hg19) VCF-style: chr19-14516673-C-T.
Other names: c.1596C>T, p.Thr532= (NM_001025160.3); c.1464C>T, p.Thr488= (NM_001784.6).
Identifiers: ClinVar variation 2649421 (VCV002649421.24), dbSNP rs2512768719, ClinGen allele CA505692979.